The following is an entry in ClinVar:

NM_015378.4(VPS13D):c.2716A>G (p.Met906Val)

Gene: VPS13D (vacuolar protein sorting 13 homolog D; plus strand). Cytogenetic location: 1p36.22.
Variant type: single nucleotide variant.
Coding change: c.2716A>G on transcript NM_015378.4 (MANE Select); coding-DNA position 2716, A replaced by G.
Protein change: p.Met906Val; replaces methionine 906 with valine.
Molecular consequence: missense variant.
Genome position (GRCh38, 1-based): chr1:12,276,304, A>G. VCF-style: chr1-12276304-A-G. GRCh37 (hg19) VCF-style: chr1-12336361-A-G.
Other names: p.Met906Val; c.2716A>G, p.Met906Val (NM_018156.4); short protein forms M906V.
Identifiers: ClinVar variation 2406901 (VCV002406901.3), dbSNP rs1213638060, ClinGen allele CA338472378.

ClinVar aggregate classification (germline): Uncertain significance. Review status: criteria provided, multiple submitters, no conflicts (2 of 4 stars). 2 submissions from 2 submitters: Uncertain significance (2). Last evaluated 2025-05-27.

Conditions:
Inborn genetic diseases. Identifiers: MedGen C0950123, MeSH D030342.

Allele frequency attached by ClinVar (database versions not stated): TOPMed below 0.00001; gnomAD 0.00001; gnomAD exomes 0.00001.
gnomAD v4.1: 18 of 1,614,054 alleles (0.0011%); highest among the groups gnomAD compares: Non-Finnish European, 0.0015%; no homozygotes.

Submissions (2):

Mayo Clinic Laboratories, Mayo Clinic
Classification: Uncertain significance. Last evaluated: 2025-05-27. Review status: criteria provided, single submitter. Criteria: ACMG Guidelines, 2015. Collection method: clinical testing. Allele origin: germline. Observed: 1 variant allele.
Comment: BP4_moderate

Ambry Genetics
Classification: Uncertain significance for Inborn genetic diseases. Last evaluated: 2022-09-27. Review status: criteria provided, single submitter. Criteria: Ambry Variant Classification Scheme 2023. Collection method: clinical testing. Allele origin: germline.